The following is an entry in ClinVar:

NM_000179.3(MSH6):c.2475T>G (p.Ile825Met)

Gene: MSH6 (mutS homolog 6; plus strand). Cytogenetic location: 2p16.3.
Variant type: single nucleotide variant.
Coding change: c.2475T>G on transcript NM_000179.3 (MANE Select); coding-DNA position 2475, T replaced by G.
Protein change: p.Ile825Met; replaces isoleucine 825 with methionine.
Molecular consequence: missense variant. On other transcripts: non-coding transcript variant (5), intron variant (3).
Genome position (GRCh38, 1-based): chr2:47,800,458, T>G. VCF-style: chr2-47800458-T-G. GRCh37 (hg19) VCF-style: chr2-48027597-T-G.
Other names: c.2475T>G, p.Ile825Met (NM_001406800.1, NM_001406808.1, NM_001406809.1 and 2 more transcripts); c.2178T>G, p.Ile726Met (NM_001406801.1, NM_001406805.1, NM_001406797.1 and 10 more transcripts); c.2571T>G, p.Ile857Met (NM_001406802.1, NM_001406795.1); c.2397T>G, p.Ile799Met (NM_001406804.1); c.1950T>G, p.Ile650Met (NM_001406806.1, NM_001406807.1, NM_001406799.1); c.1569T>G, p.Ile523Met (NM_001406811.1, NM_001281493.2, NM_001281494.2 and 6 more transcripts); c.2308+167T>G (NM_001406803.1); c.1606+869T>G (NM_001406817.1); and 4 more; short protein forms I523M, I650M, I695M, I726M, I769M, I799M, I825M, I827M.
Identifiers: ClinVar variation 3239785 (VCV003239785.2), dbSNP rs1572727298.

ClinVar aggregate classification (germline): Uncertain significance. Review status: criteria provided, multiple submitters, no conflicts (2 of 4 stars). 2 submissions from 2 submitters: Uncertain significance (2). Last evaluated 2026-07-06.

Conditions:
Endometrial carcinoma. Also called: Endometrial carcinoma, somatic. Identifiers: MedGen C0476089, MONDO:0002447, OMIM 608089, HP:0012114.
Hereditary cancer-predisposing syndrome. Also called: Neoplastic Syndromes, Hereditary; Tumor predisposition; Hereditary Cancer Syndrome; Hereditary neoplastic syndrome. Identifiers: Orphanet 140162, MedGen C0027672, MeSH D009386, MONDO:0015356.

Submissions (2):

Ambry Genetics
Classification: Uncertain significance for Hereditary cancer-predisposing syndrome. Last evaluated: 2026-07-06. Review status: criteria provided, single submitter. Criteria: Ambry Variant Classification Scheme 2023. Collection method: clinical testing. Allele origin: germline.
Comment: The p.I825M variant (also known as c.2475T>G), located in coding exon 4 of the MSH6 gene, results from a T to G substitution at nucleotide position 2475. The isoleucine at codon 825 is replaced by methionine, an amino acid with highly similar properties. This amino acid position is conserved. In addition, this alteration is predicted to be deleterious by in silico analysis. Based on the available evidence, the clinical significance of this variant remains unclear.

Baylor Genetics
Classification: Uncertain significance for Endometrial carcinoma. Last evaluated: 2024-03-28. Review status: criteria provided, single submitter. Criteria: ACMG Guidelines, 2015. Collection method: clinical testing. Allele origin: unknown.